The following is an entry in ClinVar:

ClinVar aggregate classification (germline): Uncertain significance (1 of 4 stars; one submission).

Conditions:
Inborn genetic diseases. Identifiers: MedGen C0950123, MeSH D030342.

gnomAD v4.1: 3 of 1,609,448 alleles (0.00019%); highest among the groups gnomAD compares: Non-Finnish European, 0.00025%; no homozygotes.

Submission:

Ambry Genetics
Classification: Uncertain significance for Inborn genetic diseases. Last evaluated: 2026-05-11. Review status: criteria provided, single submitter. Criteria: Ambry Variant Classification Scheme 2023. Collection method: clinical testing. Allele origin: germline.
Comment: The c.9246G>C (p.L3082F) alteration is located in exon 6 (coding exon 6) of the PCLO gene. This alteration results from a G to C substitution at nucleotide position 9246, causing the leucine (L) at amino acid position 3082 to be replaced by a phenylalanine (F). Based on data from gnomAD, the C allele has an overall frequency of <0.001% (1/240074) total alleles studied. The highest observed frequency was 0.001% (1/108448) of European (non-Finnish) alleles. Based on insufficient or conflicting evidence, the clinical significance of this alteration remains unclear.

NM_033026.6(PCLO):c.9246G>C (p.Leu3082Phe)

Gene: PCLO (piccolo presynaptic cytomatrix protein; minus strand). Cytogenetic location: 7q21.11.
Variant type: single nucleotide variant.
Coding change: c.9246G>C on transcript NM_033026.6 (MANE Select); coding-DNA position 9246, G replaced by C.
Protein change: p.Leu3082Phe; replaces leucine 3082 with phenylalanine.
Molecular consequence: missense variant.
Genome position (GRCh38, 1-based): chr7:82,951,342, C>G on the plus strand (G>C on the coding strand, the complement: PCLO is on the minus strand). VCF-style: chr7-82951342-C-G. GRCh37 (hg19) VCF-style: chr7-82580658-C-G.
Other names: c.9246G>C, p.Leu3082Phe (NM_014510.3); short protein forms L3082F.
Identifiers: ClinVar variation 4861670 (VCV004861670.1).